The following is an entry in ClinVar:

ClinVar aggregate classification (germline): Uncertain significance (1 of 4 stars; one submission).

Allele frequency attached by ClinVar (database versions not stated): ExAC 0.00001; TOPMed 0.00001.
gnomAD v4.1: 2 of 1,612,404 alleles (0.00012%); highest among the groups gnomAD compares: African/African-American, 0.0013%; no homozygotes.

Submission:

Labcorp Genetics (formerly Invitae), Labcorp
Classification: Uncertain significance. Last evaluated: 2022-01-28. Review status: criteria provided, single submitter. Criteria: Invitae Variant Classification Sherloc (09022015). Collection method: clinical testing. Allele origin: germline.
Comment: This sequence change replaces serine, which is neutral and polar, with asparagine, which is neutral and polar, at codon 2 of the ACAD9 protein (p.Ser2Asn). This variant is present in population databases (rs761385146, gnomAD 0.007%). This variant has not been reported in the literature in individuals affected with ACAD9-related conditions. Advanced modeling of protein sequence and biophysical properties (such as structural, functional, and spatial information, amino acid conservation, physicochemical variation, residue mobility, and thermodynamic stability) performed at Invitae indicates that this missense variant is not expected to disrupt ACAD9 protein function. In summary, the available evidence is currently insufficient to determine the role of this variant in disease. Therefore, it has been classified as a Variant of Uncertain Significance.

NM_014049.5(ACAD9):c.5G>A (p.Ser2Asn)

Gene: ACAD9 (acyl-CoA dehydrogenase family member 9; plus strand). Cytogenetic location: 3q21.3.
Variant type: single nucleotide variant.
Coding change: c.5G>A on transcript NM_014049.5 (MANE Select); coding-DNA position 5, G replaced by A.
Protein change: p.Ser2Asn; replaces serine 2 with asparagine.
Molecular consequence: missense variant. On other transcripts: non-coding transcript variant (1).
Genome position (GRCh38, 1-based): chr3:128,879,696, G>A. VCF-style: chr3-128879696-G-A. GRCh37 (hg19) VCF-style: chr3-128598539-G-A.
Other names: c.-271G>A (NM_001410805.1); short protein forms S2N.
Identifiers: ClinVar variation 2417623 (VCV002417623.3), dbSNP rs761385146, ClinGen allele CA2600993.
Genomic context (GRCh38, chr3:128,879,696, plus strand): 5'-TCCCTGCGGCGCTAAGAAGGGGAGACTGAGGCTGAGGCTGGGGAACATCGGGCAGCATGA[G>A]CGGCTGCGGGCTCTTCCTGCGCACCACGGCTGCGGCTCGTGCCTGCCGGGGTCTGGTGGT-3'
Protein context (NP_054768.2, residues 1-12): M[Ser2Asn]GCGLFLRTTA